The following is an entry in ClinVar:

NM_032242.4(PLXNA1):c.294G>A (p.Pro98=)

Gene: PLXNA1 (plexin A1; plus strand). Cytogenetic location: 3q21.3.
Variant type: single nucleotide variant.
Coding change: c.294G>A on transcript NM_032242.4 (MANE Select); coding-DNA position 294, G replaced by A.
Protein change: p.Pro98=; no amino-acid change (proline 98 retained).
Molecular consequence: synonymous variant.
Genome position (GRCh38, 1-based): chr3:126,988,887, G>A. VCF-style: chr3-126988887-G-A. GRCh37 (hg19) VCF-style: chr3-126707730-G-A.
Other names: c.294G>A (NM_032242.3).
Identifiers: ClinVar variation 3014332 (VCV003014332.4), dbSNP rs375875486, ClinGen allele CA2592956.

ClinVar aggregate classification (germline): Likely benign. Review status: criteria provided, single submitter (1 of 4 stars). 2 submissions from 2 submitters: Likely benign (1). 1 of the submissions does not count toward it. Last evaluated 2023-09-09.

Conditions:
PLXNA1-related disorder. Also called: PLXNA1-related condition.

Allele frequency attached by ClinVar (database versions not stated): TOPMed 0.00001; gnomAD 0.00002; gnomAD exomes 0.00002; ESP Exome Variant Server 0.00008.
gnomAD v4.1: 28 of 1,613,154 alleles (0.0017%); highest among the groups gnomAD compares: South Asian, 0.015%; no homozygotes.

Submissions (2):

Labcorp Genetics (formerly Invitae), Labcorp
Classification: Likely benign. Last evaluated: 2023-09-09. Review status: criteria provided, single submitter. Criteria: Invitae Variant Classification Sherloc (09022015). Collection method: clinical testing. Allele origin: germline.

PreventionGenetics, part of Exact Sciences
Classification: Likely benign for PLXNA1-related condition. Last evaluated: 2021-10-22. Review status: no assertion criteria provided. Collection method: clinical testing. Allele origin: germline. Not counted in ClinVar's aggregate classification.
Comment: This variant is classified as likely benign based on ACMG/AMP sequence variant interpretation guidelines (Richards et al. 2015 PMID: 25741868, with internal and published modifications).